The following is an entry in ClinVar:

ClinVar aggregate classification (germline): Uncertain significance (1 of 4 stars; one submission).

Submission:

Labcorp Genetics (formerly Invitae), Labcorp
Classification: Uncertain significance. Last evaluated: 2024-09-10. Review status: criteria provided, single submitter. Criteria: Invitae Variant Classification Sherloc (09022015). Collection method: clinical testing. Allele origin: germline.
Comment: This sequence change replaces alanine, which is neutral and non-polar, with proline, which is neutral and non-polar, at codon 478 of the EGF protein (p.Ala478Pro). This variant is not present in population databases (gnomAD no frequency). This variant has not been reported in the literature in individuals affected with EGF-related conditions. An algorithm developed to predict the effect of missense changes on protein structure and function (PolyPhen-2) suggests that this variant is likely to be tolerated. In summary, the available evidence is currently insufficient to determine the role of this variant in disease. Therefore, it has been classified as a Variant of Uncertain Significance.

NM_001963.6(EGF):c.1432G>C (p.Ala478Pro)

Gene: EGF (epidermal growth factor; plus strand). Cytogenetic location: 4q25.
Variant type: single nucleotide variant.
Coding change: c.1432G>C on transcript NM_001963.6 (MANE Select); coding-DNA position 1432, G replaced by C.
Protein change: p.Ala478Pro; replaces alanine 478 with proline.
Molecular consequence: missense variant.
Genome position (GRCh38, 1-based): chr4:109,963,292, G>C. VCF-style: chr4-109963292-G-C. GRCh37 (hg19) VCF-style: chr4-110884448-G-C.
Other names: c.1306G>C, p.Ala436Pro (NM_001357021.2, NM_001178131.3); c.1432G>C, p.Ala478Pro (NM_001178130.3); short protein forms A436P, A478P.
Identifiers: ClinVar variation 3678516 (VCV003678516.2).